The following is an entry in ClinVar:

ClinVar aggregate classification (germline): Pathogenic (1 of 4 stars; one submission).

Conditions:
Deficiency of acetyl-CoA acetyltransferase. Also called: MITOCHONDRIAL ACETOACETYL-CoA THIOLASE DEFICIENCY; Beta-ketothiolase deficiency; 3-KETOTHIOLASE DEFICIENCY; 3-OXOTHIOLASE DEFICIENCY. Identifiers: Orphanet 134, MedGen C1536500, MONDO:0008760, OMIM 203750. Disease mechanism: loss of function.

Submission:

Labcorp Genetics (formerly Invitae), Labcorp
Classification: Pathogenic for Deficiency of acetyl-CoA acetyltransferase. Last evaluated: 2022-05-30. Review status: criteria provided, single submitter. Criteria: Invitae Variant Classification Sherloc (09022015). Collection method: clinical testing. Allele origin: germline.
Comment: For these reasons, this variant has been classified as Pathogenic. This sequence change creates a premature translational stop signal (p.Ala111Cysfs*66) in the ACAT1 gene. It is expected to result in an absent or disrupted protein product. Loss-of-function variants in ACAT1 are known to be pathogenic (PMID: 7749408). This variant is not present in population databases (gnomAD no frequency). This variant has not been reported in the literature in individuals affected with ACAT1-related conditions.

Literature cited by the submitters: PubMed 7749408.

NM_000019.4(ACAT1):c.330dup (p.Ala111fs)

Gene: ACAT1 (acetyl-CoA acetyltransferase 1; plus strand). Cytogenetic location: 11q22.3.
Variant type: Duplication.
Coding change: c.330dup on transcript NM_000019.4 (MANE Select); coding-DNA position 330, one base duplicated (T; older notation c.330dupT).
Protein change: p.Ala111fs; shifts the reading frame from alanine 111.
Molecular consequence: frameshift variant. On other transcripts: non-coding transcript variant (2), intron variant (2).
Genome position (GRCh38, 1-based): chr11:108,134,312, T duplicated. VCF-style (leftmost placement, unchanged base first): chr11-108134311-G-GT. GRCh37 (hg19) VCF-style: chr11-108005038-G-GT.
Other names: c.60dup, p.Ala21fs (NM_001386681.1, NM_001386682.1, NM_001386685.1 and 6 more transcripts); c.330dup, p.Ala111fs (NM_001386677.1); c.37+16dup (NM_001386679.1); c.120+2358dup (NM_001386678.1); short protein forms A21fs, A111fs.
Identifiers: ClinVar variation 2001273 (VCV002001273.4), dbSNP rs2496585397, ClinGen allele CA2580082964.